The following is an entry in ClinVar:

ClinVar aggregate classification (germline): Conflicting classifications of pathogenicity. Review status: criteria provided, conflicting classifications (1 of 4 stars). 7 submissions from 7 submitters: Uncertain significance (4); Likely benign (3). Last evaluated 2025-04-11.

Conditions:
Inborn genetic diseases. Identifiers: MedGen C0950123, MeSH D030342.

Allele frequency attached by ClinVar (database versions not stated): ExAC 0.00003; gnomAD 0.00004 and 0.00005; gnomAD exomes 0.00004 and 0.00006; TOPMed 0.00006.
gnomAD v4.1: 72 of 1,596,726 alleles (0.0045%); highest among the groups gnomAD compares: Middle Eastern, 0.12%; no homozygotes.

Submissions (7):

Labcorp Genetics (formerly Invitae), Labcorp
Classification: Uncertain significance. Last evaluated: 2025-04-11. Review status: criteria provided, single submitter. Criteria: Invitae Variant Classification Sherloc (09022015). Collection method: clinical testing. Allele origin: germline.
Comment: This sequence change replaces threonine, which is neutral and polar, with alanine, which is neutral and non-polar, at codon 124 of the BMP2 protein (p.Thr124Ala). This variant is present in population databases (rs201118225, gnomAD 0.01%). This variant has not been reported in the literature in individuals affected with BMP2-related conditions. ClinVar contains an entry for this variant (Variation ID: 598369). An algorithm developed to predict the effect of missense changes on protein structure and function outputs the following: PolyPhen-2: "Benign". The alanine amino acid residue is found in multiple mammalian species, which suggests that this missense change does not adversely affect protein function. In summary, the available evidence is currently insufficient to determine the role of this variant in disease. Therefore, it has been classified as a Variant of Uncertain Significance.

Laboratory of Genetics, Children's Clinical University Hospital Latvia
Classification: Likely benign. Last evaluated: 2025-02-16. Review status: criteria provided, single submitter. Criteria: ACMG Guidelines, 2015. Collection method: clinical testing. Allele origin: germline. Affected: yes.

CeGaT Center for Human Genetics Tuebingen
Classification: Likely benign. Last evaluated: 2025-01-01. Review status: criteria provided, single submitter. Criteria: CeGaT Center For Human Genetics Tuebingen Variant Classification Criteria Version 2. Collection method: clinical testing. Allele origin: germline. Affected: yes. Observed: 1 variant allele.
Comment: BMP2: BP4

Ambry Genetics
Classification: Uncertain significance for Inborn genetic diseases. Last evaluated: 2024-12-31. Review status: criteria provided, single submitter. Criteria: Ambry Variant Classification Scheme 2023. Collection method: clinical testing. Allele origin: germline.

Blueprint Genetics
Classification: Likely benign. Last evaluated: 2024-11-07. Review status: criteria provided, single submitter. Criteria: ACMG Guidelines, 2015. Collection method: clinical testing. Allele origin: germline.

Eurofins Ntd Llc (ga)
Classification: Uncertain significance. Last evaluated: 2018-08-21. Review status: criteria provided, single submitter. Criteria: EGL ClinVar v180209 classification definitions. Collection method: clinical testing. Allele origin: germline. Observed: 1 variant allele, 1 heterozygote.

Breakthrough Genomics
Classification: Uncertain significance. Review status: criteria provided, single submitter. Criteria: ACMG Guidelines, 2015. Collection method: not provided. Allele origin: germline. Inheritance: Autosomal dominant inheritance. Affected: yes.

NM_001200.4(BMP2):c.370A>G (p.Thr124Ala)

Gene: BMP2 (bone morphogenetic protein 2; plus strand). Cytogenetic location: 20p12.3.
Variant type: single nucleotide variant.
Coding change: c.370A>G on transcript NM_001200.4 (MANE Select); coding-DNA position 370, A replaced by G.
Protein change: p.Thr124Ala; replaces threonine 124 with alanine.
Molecular consequence: missense variant.
Genome position (GRCh38, 1-based): chr20:6,778,268, A>G. VCF-style: chr20-6778268-A-G. GRCh37 (hg19) VCF-style: chr20-6758915-A-G.
Other names: c.370A>G (NM_001200.2); short protein forms T124A.
Identifiers: ClinVar variation 598369 (VCV000598369.28), dbSNP rs201118225, ClinGen allele CA9758668.